The following is an entry in ClinVar:

ClinVar aggregate classification (germline): Uncertain significance (1 of 4 stars; one submission).

Allele frequency attached by ClinVar (database versions not stated): TOPMed below 0.00001.

Submission:

Ambry Genetics
Classification: Uncertain significance. Last evaluated: 2023-06-10. Review status: criteria provided, single submitter. Criteria: Ambry Variant Classification Scheme 2023. Collection method: clinical testing. Allele origin: germline.
Comment: The p.S1768W variant (also known as c.5303C>G), located in coding exon 46 of the KIF1B gene, results from a C to G substitution at nucleotide position 5303. The serine at codon 1768 is replaced by tryptophan, an amino acid with highly dissimilar properties. This amino acid position is conserved. In addition, this alteration is predicted to be tolerated by in silico analysis. Since supporting evidence is limited at this time, the clinical significance of this alteration remains unclear.

NM_001365951.3(KIF1B):c.5441C>G (p.Ser1814Trp)

Gene: KIF1B (kinesin family member 1B; plus strand). Cytogenetic location: 1p36.22.
Variant type: single nucleotide variant.
Coding change: c.5441C>G on transcript NM_001365951.3 (MANE Select); coding-DNA position 5441, C replaced by G.
Protein change: p.Ser1814Trp; replaces serine 1814 with tryptophan.
Molecular consequence: missense variant.
Genome position (GRCh38, 1-based): chr1:10,376,577, C>G. VCF-style: chr1-10376577-C-G. GRCh37 (hg19) VCF-style: chr1-10436635-C-G.
Other names: c.5441C>G, p.Ser1814Trp (NM_001365952.1); c.5303C>G, p.Ser1768Trp (NM_015074.3); short protein forms S1814W, S1768W.
Identifiers: ClinVar variation 2560509 (VCV002560509.2), dbSNP rs761319935, ClinGen allele CA338332194.